The following is an entry in ClinVar:

NM_006279.5(ST3GAL3):c.502G>A (p.Val168Ile)

Gene: ST3GAL3 (ST3 beta-galactoside alpha-2,3-sialyltransferase 3; plus strand). Cytogenetic location: 1p34.1.
Variant type: single nucleotide variant.
Coding change: c.502G>A on transcript NM_006279.5 (MANE Select); coding-DNA position 502, G replaced by A.
Protein change: p.Val168Ile; replaces valine 168 with isoleucine.
Molecular consequence: missense variant. On other transcripts: non-coding transcript variant (7), intron variant (4).
Genome position (GRCh38, 1-based): chr1:43,899,208, G>A. VCF-style: chr1-43899208-G-A. GRCh37 (hg19) VCF-style: chr1-44364880-G-A.
Other names: c.502G>A, p.Val168Ile (NM_001270459.2, NM_001350620.2, NM_174966.4); c.409G>A, p.Val137Ile (NM_001270460.2); c.454G>A, p.Val152Ile (NM_001270461.3, NM_001270464.3, NM_174969.4); c.361G>A, p.Val121Ile (NM_001270462.3); c.499G>A, p.Val167Ile (NM_001270463.3, NM_001270465.3); c.547G>A, p.Val183Ile (NM_001350619.2, NM_174964.4); c.223G>A, p.Val75Ile (NM_001350621.2); c.664G>A, p.Val222Ile (NM_001363573.2, NM_174968.5); and 6 more; short protein forms V121I, V137I, V152I, V167I, V168I, V183I, V206I, V222I.
Identifiers: ClinVar variation 1301687 (VCV001301687.5), dbSNP rs758155830, ClinGen allele CA814725.

ClinVar aggregate classification (germline): Uncertain significance. Review status: criteria provided, multiple submitters, no conflicts (2 of 4 stars). 2 submissions from 2 submitters: Uncertain significance (2). Last evaluated 2022-02-11.

Conditions:
Developmental and epileptic encephalopathy. Identifiers: MedGen C5779964, MONDO:0100620.
Developmental and epileptic encephalopathy, 15 (DEE15). Also called: Early infantile epileptic encephalopathy 15. Identifiers: Orphanet 3451, MedGen C3554316, MONDO:0014003, OMIM 615006.

Allele frequency attached by ClinVar (database versions not stated): gnomAD 0.00005; TOPMed 0.00005.
gnomAD v4.1: 22 of 1,614,094 alleles (0.0014%); highest among the groups gnomAD compares: Middle Eastern, 0.016%; no homozygotes.

Submissions (2):

Labcorp Genetics (formerly Invitae), Labcorp
Classification: Uncertain significance for Early-infantile DEE. Last evaluated: 2022-02-11. Review status: criteria provided, single submitter. Criteria: Invitae Variant Classification Sherloc (09022015). Collection method: clinical testing. Allele origin: germline.
Comment: In summary, the available evidence is currently insufficient to determine the role of this variant in disease. Therefore, it has been classified as a Variant of Uncertain Significance. Algorithms developed to predict the effect of missense changes on protein structure and function (SIFT, PolyPhen-2, Align-GVGD) all suggest that this variant is likely to be tolerated. ClinVar contains an entry for this variant (Variation ID: 1301687). This variant has not been reported in the literature in individuals affected with ST3GAL3-related conditions. This variant is present in population databases (rs758155830, gnomAD 0.006%). This sequence change replaces valine, which is neutral and non-polar, with isoleucine, which is neutral and non-polar, at codon 168 of the ST3GAL3 protein (p.Val168Ile).

Dubai Health Genomic Medicine Center, Dubai Health
Classification: Uncertain significance for Developmental and epileptic encephalopathy, 15. Last evaluated: 2020-11-01. Review status: criteria provided, single submitter. Criteria: ACMG Guidelines, 2015. Collection method: clinical testing. Allele origin: germline. Affected: yes.